The following is an entry in ClinVar:

ClinVar aggregate classification (germline): Uncertain significance. Review status: criteria provided, multiple submitters, no conflicts (2 of 4 stars). 4 submissions from 4 submitters: Uncertain significance (4). Last evaluated 2026-09-01.

Conditions:
MYO15A-related disorder. Also called: MYO15A-related condition.

Allele frequency attached by ClinVar (database versions not stated): gnomAD exomes 0.00003; ExAC 0.00004; TOPMed 0.00006; gnomAD 0.00007; 1000 Genomes Project 30x 0.00016; 1000 Genomes Project 0.00020.
gnomAD v4.1: 74 of 1,612,226 alleles (0.0046%); highest among the groups gnomAD compares: Admixed American, 0.012%; no homozygotes.

Submissions (4):

GeneDx
Classification: Uncertain significance. Last evaluated: 2026-09-01. Review status: criteria provided, single submitter. Criteria: GeneDx Variant Classification Process June 2021. Collection method: clinical testing. Allele origin: germline.
Comment: In silico analysis suggests that this missense variant does not alter protein structure/function; Has not been previously published as pathogenic or benign to our knowledge

PreventionGenetics, part of Exact Sciences
Classification: Uncertain significance for MYO15A-related condition. Last evaluated: 2025-03-14. Review status: criteria provided, single submitter. Criteria: ACMG Guidelines, 2015. Collection method: clinical testing. Allele origin: germline.
Comment: The MYO15A c.370G>A variant is predicted to result in the amino acid substitution p.Ala124Thr. To our knowledge, this variant has not been reported in the literature. This variant is reported in 0.011% of alleles in individuals of Latino descent in gnomAD. At this time, the clinical significance of this variant is uncertain due to the absence of conclusive functional and genetic evidence.

Blueprint Genetics
Classification: Uncertain significance. Last evaluated: 2023-09-08. Review status: criteria provided, single submitter. Criteria: ACMG Guidelines, 2015. Collection method: clinical testing. Allele origin: germline.

Laboratory for Molecular Medicine, Mass General Brigham Personalized Medicine
Classification: Uncertain significance. Last evaluated: 2019-02-05. Review status: criteria provided, single submitter. Criteria: LMM Criteria. Collection method: clinical testing. Allele origin: germline. Observed: 1 variant allele.
Comment: The p.Ala124Thr variant in MYO15A has not been previously reported in individuals with hearing loss but has been identified in 0.01% (4/35028) of Latino chromosomes by gnomAD. Computational prediction tools and conservation analysis do not provide strong support for or against an impact to the protein. In summary, the clinical significance of this variant is uncertain. ACMG/AMP Criteria applied: PM2_Supporting.

NM_016239.4(MYO15A):c.370G>A (p.Ala124Thr)

Gene: MYO15A (myosin XVA; plus strand). Cytogenetic location: 17p11.2.
Variant type: single nucleotide variant.
Coding change: c.370G>A on transcript NM_016239.4 (MANE Select); coding-DNA position 370, G replaced by A.
Protein change: p.Ala124Thr; replaces alanine 124 with threonine.
Molecular consequence: missense variant.
Genome position (GRCh38, 1-based): chr17:18,119,170, G>A. VCF-style: chr17-18119170-G-A. GRCh37 (hg19) VCF-style: chr17-18022484-G-A.
Other names: short protein forms A124T.
Identifiers: ClinVar variation 666866 (VCV000666866.8), dbSNP rs576041753, ClinGen allele CA8422821.
Genomic context (GRCh38, chr17:18,119,170, plus strand): 5'-CCGTCCTTCATGGTGATCCGCTTCCCAGGCCGCCGTGGCTACGGCCGCCTGCGGCCGCGC[G>A]CCCGGTCACTCAGCAAAGCGTCCACGGCCATCAACTGGCTCACAAAAAAGTTCCTCCTCA-3'
Protein context (NP_057323.3, residues 114-134): RRGYGRLRPR[Ala124Thr]RSLSKASTAI